The following is an entry in ClinVar:

NM_001377.3(DYNC2H1):c.1100G>A (p.Gly367Asp)

Gene: DYNC2H1 (dynein cytoplasmic 2 heavy chain 1; plus strand). Cytogenetic location: 11q22.3.
Variant type: single nucleotide variant.
Coding change: c.1100G>A on transcript NM_001377.3 (MANE Select); coding-DNA position 1100, G replaced by A.
Protein change: p.Gly367Asp; replaces glycine 367 with aspartic acid.
Molecular consequence: missense variant.
Genome position (GRCh38, 1-based): chr11:103,120,547, G>A. VCF-style: chr11-103120547-G-A. GRCh37 (hg19) VCF-style: chr11-102991276-G-A.
Other names: c.1100G>A, p.Gly367Asp (NM_001080463.2); short protein forms G367D.
Identifiers: ClinVar variation 2014623 (VCV002014623.4), dbSNP rs1199388013, ClinGen allele CA382250241.

ClinVar aggregate classification (germline): Uncertain significance (1 of 4 stars; one submission).

Conditions:
Jeune thoracic dystrophy. Also called: Jeune syndrome; Infantile thoracic dystrophy; Thoracic pelvic phalangeal dystrophy; Jeune's syndrome; Chondroectodermal dysplasia-like syndrome; Short-rib thoracic dysplasia. Identifiers: Orphanet 474, MedGen C0265275, MONDO:0018770.

Allele frequency attached by ClinVar (database versions not stated): gnomAD 0.00001.
gnomAD v4.1: 2 of 1,612,864 alleles (0.00012%); highest among the groups gnomAD compares: South Asian, 0.0011%; no homozygotes.

Submission:

Labcorp Genetics (formerly Invitae), Labcorp
Classification: Uncertain significance for Jeune thoracic dystrophy. Last evaluated: 2023-02-10. Review status: criteria provided, single submitter. Criteria: Invitae Variant Classification Sherloc (09022015). Collection method: clinical testing. Allele origin: germline.
Comment: This sequence change replaces glycine, which is neutral and non-polar, with aspartic acid, which is acidic and polar, at codon 367 of the DYNC2H1 protein (p.Gly367Asp). This variant is present in population databases (no rsID available, gnomAD 0.0009%). This variant has not been reported in the literature in individuals affected with DYNC2H1-related conditions. Advanced modeling of protein sequence and biophysical properties (such as structural, functional, and spatial information, amino acid conservation, physicochemical variation, residue mobility, and thermodynamic stability) has been performed at Invitae for this missense variant, however the output from this modeling did not meet the statistical confidence thresholds required to predict the impact of this variant on DYNC2H1 protein function. In summary, the available evidence is currently insufficient to determine the role of this variant in disease. Therefore, it has been classified as a Variant of Uncertain Significance.